The following is an entry in ClinVar:

ClinVar aggregate classification (germline): Likely benign. Review status: criteria provided, multiple submitters, no conflicts (2 of 4 stars). 5 submissions from 5 submitters: Likely benign (5). Last evaluated 2025-12-08.

Conditions:
POLG-related disorder. Also called: POLG-Related Spectrum Disorders; POLG-related condition; POLG-Related Disorders. Identifiers: MedGen C4763519.
Inborn genetic diseases. Identifiers: MedGen C0950123, MeSH D030342.
Progressive sclerosing poliodystrophy (MTDPS4A). Also called: ALPERS PROGRESSIVE INFANTILE POLIODYSTROPHY; NEURONAL DEGENERATION OF CHILDHOOD WITH LIVER DISEASE, PROGRESSIVE; Alpers Syndrome; ALPERS DIFFUSE DEGENERATION OF CEREBRAL GRAY MATTER WITH HEPATIC CIRRHOSIS; Alpers-Huttenlocher Syndrome; Mitochondrial DNA Depletion Syndrome 4A. Identifiers: Orphanet 726, MedGen C0205710, MONDO:0008758, OMIM 203700.

Allele frequency attached by ClinVar (database versions not stated): gnomAD 0.00001; gnomAD exomes 0.00001 and 0.00002; ExAC 0.00003; TOPMed 0.00003.
gnomAD v4.1: 11 of 1,613,016 alleles (0.00068%); highest among the groups gnomAD compares: Admixed American, 0.0033%; no homozygotes.

Submissions (5):

PreventionGenetics, part of Exact Sciences
Classification: Likely benign for POLG-related condition. Last evaluated: 2025-12-08. Review status: criteria provided, single submitter. Criteria: ACMG Guidelines, 2015. Collection method: clinical testing. Allele origin: germline.
Comment: This variant is classified as likely benign based on ACMG/AMP sequence variant interpretation guidelines (Richards et al. 2015 PMID: 25741868, with internal and published modifications).

Labcorp Genetics (formerly Invitae), Labcorp
Classification: Likely benign for Progressive sclerosing poliodystrophy. Last evaluated: 2025-10-17. Review status: criteria provided, single submitter. Criteria: Invitae Variant Classification Sherloc (09022015). Collection method: clinical testing. Allele origin: germline.

Blueprint Genetics
Classification: Likely benign. Last evaluated: 2021-04-23. Review status: criteria provided, single submitter. Criteria: ACMG Guidelines, 2015. Collection method: clinical testing. Allele origin: germline.

Ambry Genetics
Classification: Likely benign for Inborn genetic diseases. Last evaluated: 2020-03-31. Review status: criteria provided, single submitter. Criteria: Ambry Variant Classification Scheme 2023. Collection method: clinical testing. Allele origin: germline.

GeneDx
Classification: Likely benign. Last evaluated: 2015-12-03. Review status: criteria provided, single submitter. Criteria: GeneDx Variant Classification (06012015). Collection method: clinical testing. Allele origin: germline. Affected: yes.
Comment: This variant is considered likely benign or benign based on one or more of the following criteria: it is a conservative change, it occurs at a poorly conserved position in the protein, it is predicted to be benign by multiple in silico algorithms, and/or has population frequency not consistent with disease.

NM_002693.3(POLG):c.1236G>A (p.Pro412=)

Gene: POLG (DNA polymerase gamma, catalytic subunit; minus strand). Cytogenetic location: 15q26.1.
Variant type: single nucleotide variant.
Coding change: c.1236G>A on transcript NM_002693.3 (MANE Select); coding-DNA position 1236, G replaced by A.
Protein change: p.Pro412=; no amino-acid change (proline 412 retained).
Molecular consequence: synonymous variant.
Genome position (GRCh38, 1-based): chr15:89,328,470, C>T on the plus strand (G>A on the coding strand, the complement: POLG is on the minus strand). VCF-style: chr15-89328470-C-T. GRCh37 (hg19) VCF-style: chr15-89871701-C-T.
Other names: c.1236G>A, p.Pro412= (NM_001126131.2).
Identifiers: ClinVar variation 381965 (VCV000381965.14), dbSNP rs750875156, ClinGen allele CA7724914.